The following is an entry in ClinVar:

ClinVar aggregate classification (germline): Uncertain significance (1 of 4 stars; one submission).

Conditions:
Inborn genetic diseases. Identifiers: MedGen C0950123, MeSH D030342.

Submission:

Ambry Genetics
Classification: Uncertain significance for Inborn genetic diseases. Last evaluated: 2026-02-26. Review status: criteria provided, single submitter. Criteria: Ambry Variant Classification Scheme 2023. Collection method: clinical testing. Allele origin: germline.
Comment: The c.1522G>C (p.A508P) alteration is located in exon 7 (coding exon 5) of the NR4A2 gene. This alteration results from a G to C substitution at nucleotide position 1522, causing the alanine (A) at amino acid position 508 to be replaced by a proline (P). This variant was not reported in population-based cohorts in the Genome Aggregation Database (gnomAD). This amino acid position is highly conserved in available vertebrate species. This alteration is predicted to be deleterious by in silico analysis. Based on insufficient or conflicting evidence, the clinical significance of this alteration remains unclear.

NM_006186.4(NR4A2):c.1522G>C (p.Ala508Pro)

Gene: NR4A2 (nuclear receptor subfamily 4 group A member 2; minus strand). Cytogenetic location: 2q24.1.
Variant type: single nucleotide variant.
Coding change: c.1522G>C on transcript NM_006186.4 (MANE Select); coding-DNA position 1522, G replaced by C.
Protein change: p.Ala508Pro; replaces alanine 508 with proline.
Molecular consequence: missense variant.
Genome position (GRCh38, 1-based): chr2:156,326,168, C>G on the plus strand (G>C on the coding strand, the complement: NR4A2 is on the minus strand). VCF-style: chr2-156326168-C-G. GRCh37 (hg19) VCF-style: chr2-157182680-C-G.
Other names: c.1333G>C, p.Ala445Pro (NM_173173.3); short protein forms A508P, A445P.
Identifiers: ClinVar variation 4840094 (VCV004840094.1).